The following is an entry in ClinVar:

NM_001114753.3(ENG):c.573_580del (p.Thr193fs)

Gene: ENG (endoglin; minus strand). Cytogenetic location: 9q34.11.
Variant type: Deletion.
Coding change: c.573_580del on transcript NM_001114753.3 (MANE Select); coding-DNA positions 573 to 580, 8 bases deleted (CCGCACGC; older notation c.573_580delCCGCACGC).
Protein change: p.Thr193fs; shifts the reading frame from threonine 193.
Molecular consequence: frameshift variant.
Genome position (GRCh38, 1-based): chr9:127,825,804-127,825,811, GCGTGCGG deleted on the plus strand (CCGCACGC on the coding strand, the reverse complement: ENG is on the minus strand). VCF-style (leftmost placement, unchanged base first): chr9-127825803-AGCGTGCGG-A. GRCh37 (hg19) VCF-style: chr9-130588082-AGCGTGCGG-A.
Other names: c.573_580del, p.Thr193fs (NM_000118.4, NM_001406715.1); c.27_34del, p.Thr11fs (NM_001278138.2); short protein forms T11fs, T193fs.
Identifiers: ClinVar variation 4849216 (VCV004849216.1).
Genomic context (GRCh38, chr9:127,825,803, plus strand): 5'-CCGGCCACGCCTTCCAAGTGGCAGCCCCGGACCAAGGCTGGAGTACGCGGCCGCCACTCG[AGCGTGCGG>A]CCCATGTCCTGGCTGGCTTCCAGCATGCAGAAGGACAGTGACCCCTGGGCTGCAGAGACA-3'

ClinVar aggregate classification (germline): Likely pathogenic (1 of 4 stars; one submission).

Conditions:
Telangiectasia, hereditary hemorrhagic, type 1 (HHT1). Also called: Osler Weber Rendu syndrome type 1; ENG-Related Hereditary Hemorrhagic Telangiectasia. Identifiers: Orphanet 774, MedGen C4551861, MONDO:0008535, OMIM 187300. Disease mechanism: loss of function.

Submission:

MVZ Medizinische Genetik Mainz
Classification: Likely pathogenic for Telangiectasia, hereditary hemorrhagic, type 1. Last evaluated: 2026-04-07. Review status: criteria provided, single submitter. Criteria: UK Practice Guidelines For Variant Classification V4 01 2020. Collection method: clinical testing. Allele origin: germline. Inheritance: Autosomal dominant inheritance. Affected: yes. Observed: 1 variant allele.
Comment: ACMG Criteria: PVS1,PM2_SUP